The following is an entry in ClinVar:

NM_006904.7(PRKDC):c.9332T>C (p.Met3111Thr)

Gene: PRKDC (protein kinase, DNA-activated, catalytic subunit; minus strand). Cytogenetic location: 8q11.21.
Variant type: single nucleotide variant.
Coding change: c.9332T>C on transcript NM_006904.7 (MANE Select); coding-DNA position 9332, T replaced by C.
Protein change: p.Met3111Thr; replaces methionine 3111 with threonine.
Molecular consequence: missense variant.
Genome position (GRCh38, 1-based): chr8:47,820,723, A>G on the plus strand (T>C on the coding strand, the complement: PRKDC is on the minus strand). VCF-style: chr8-47820723-A-G. GRCh37 (hg19) VCF-style: chr8-48733284-A-G.
Other names: c.9332T>C, p.Met3111Thr (NM_001081640.2); short protein forms M3111T.
Identifiers: ClinVar variation 2130582 (VCV002130582.4), dbSNP rs2551865327, ClinGen allele CA371139218.

ClinVar aggregate classification (germline): Uncertain significance (1 of 4 stars; one submission).

Conditions:
Severe combined immunodeficiency due to DNA-PKcs deficiency. Also called: Immunodeficiency 26 with or without neurologic abnormalities; IMMUNODEFICIENCY 26 WITH NEUROLOGIC ABNORMALITIES. Identifiers: Orphanet 317425, MedGen C4014833, MONDO:0014423, OMIM 615966.

Allele frequency attached by ClinVar (database versions not stated): gnomAD exomes below 0.00001.
gnomAD v4.1: 1 of 1,526,812 alleles (0.000065%); highest among the groups gnomAD compares: Non-Finnish European, 0.000089%; no homozygotes.

Submission:

Labcorp Genetics (formerly Invitae), Labcorp
Classification: Uncertain significance for Severe combined immunodeficiency due to DNA-PKcs deficiency. Last evaluated: 2024-10-24. Review status: criteria provided, single submitter. Criteria: Invitae Variant Classification Sherloc (09022015). Collection method: clinical testing. Allele origin: germline.
Comment: This sequence change replaces methionine, which is neutral and non-polar, with threonine, which is neutral and polar, at codon 3111 of the PRKDC protein (p.Met3111Thr). This variant is not present in population databases (gnomAD no frequency). This variant has not been reported in the literature in individuals affected with PRKDC-related conditions. ClinVar contains an entry for this variant (Variation ID: 2130582). Invitae Evidence Modeling of protein sequence and biophysical properties (such as structural, functional, and spatial information, amino acid conservation, physicochemical variation, residue mobility, and thermodynamic stability) indicates that this missense variant is expected to disrupt PRKDC protein function with a positive predictive value of 80%. In summary, the available evidence is currently insufficient to determine the role of this variant in disease. Therefore, it has been classified as a Variant of Uncertain Significance.